The following is an entry in ClinVar:

ClinVar aggregate classification (germline): Pathogenic (1 of 4 stars; one submission).

Conditions:
Lynch syndrome 5 (LYNCH5). Also called: Colorectal cancer, hereditary nonpolyposis, type 5; Hereditary non-polyposis colorectal cancer, type 5. Identifiers: Orphanet 144, MedGen C1833477, MONDO:0013710, OMIM 614350. Disease mechanism: loss of function.

Submission:

Myriad Genetics, Inc.
Classification: Pathogenic for Lynch syndrome 5. Last evaluated: 2023-08-11. Review status: criteria provided, single submitter. Criteria: Myriad Autosomal Dominant, Autosomal Recessive and X-Linked Classification Criteria (2023). Collection method: clinical testing. Allele origin: unknown.
Comment: This variant is considered pathogenic. This variant creates a frameshift predicted to result in premature protein truncation.

NM_000179.3(MSH6):c.1093dup (p.Trp365fs)

Gene: MSH6 (mutS homolog 6; plus strand). Cytogenetic location: 2p16.3.
Variant type: Duplication.
Coding change: c.1093dup on transcript NM_000179.3 (MANE Select); coding-DNA position 1093, one base duplicated (T; older notation c.1093dupT).
Protein change: p.Trp365fs; shifts the reading frame from tryptophan 365.
Molecular consequence: frameshift variant. On other transcripts: non-coding transcript variant (4), intron variant (1).
Genome position (GRCh38, 1-based): chr2:47,799,076, T duplicated; the last of 3 consecutive T bases (chr2:47,799,074-47,799,076); duplicating any one gives the same sequence. VCF-style (leftmost placement, unchanged base first): chr2-47799073-G-GT. GRCh37 (hg19) VCF-style: chr2-48026212-G-GT.
Other names: c.703dup, p.Trp235fs (NM_001281492.2); c.187dup, p.Trp63fs (NM_001281493.2, NM_001281494.2, NM_001406811.1 and 6 more transcripts); c.1189dup, p.Trp397fs (NM_001406795.1, NM_001406802.1); c.1093dup, p.Trp365fs (NM_001406796.1, NM_001406798.1, NM_001406800.1 and 4 more transcripts); c.796dup, p.Trp266fs (NM_001406797.1, NM_001406801.1, NM_001406805.1 and 10 more transcripts); c.568dup, p.Trp190fs (NM_001406799.1, NM_001406806.1, NM_001406807.1); c.1015dup, p.Trp339fs (NM_001406804.1); c.1099dup, p.Trp367fs (NM_001406813.1); and 2 more; short protein forms W190fs, W235fs, W266fs, W309fs, W339fs, W365fs, W367fs, W397fs.
Identifiers: ClinVar variation 2673712 (VCV002673712.1), dbSNP rs2530588730, ClinGen allele CA2695200546.